The following is an entry in ClinVar:

ClinVar aggregate classification (germline): Pathogenic. Review status: criteria provided, multiple submitters, no conflicts (2 of 4 stars). 8 submissions from 8 submitters: Pathogenic (6). 2 of the submissions do not count toward it. Last evaluated 2026-07-30.

Conditions:
Autosomal recessive nonsyndromic hearing loss 3. Also called: NEUROSENSORY NONSYNDROMIC RECESSIVE DEAFNESS 3. Identifiers: Orphanet 90636, MedGen C1838263, MONDO:0010860, OMIM 600316.
MYO15A-related disorder. Also called: MYO15A-related condition.
Hearing loss, autosomal recessive. Also called: Rare autosomal recessive non-syndromic sensorineural deafness type DFNB; Deafness, autosomal recessive; Autosomal recessive nonsyndromic deafness; Nonsyndromic Hearing Loss, Recessive. Identifiers: Orphanet 90635, Orphanet 90636, MedGen C1846647, MONDO:0019588, OMIM 607197.

Allele frequency attached by ClinVar (database versions not stated): ExAC 0.00001; gnomAD exomes 0.00001; TOPMed 0.00001.
gnomAD v4.1: 5 of 1,613,028 alleles (0.00031%); highest among the groups gnomAD compares: Admixed American, 0.005%; no homozygotes.

Submissions (8):

GeneDx
Classification: Pathogenic. Last evaluated: 2026-07-30. Review status: criteria provided, single submitter. Criteria: GeneDx Variant Classification Process June 2021. Collection method: clinical testing. Allele origin: germline.
Comment: Nonsense variant predicted to result in protein truncation or nonsense mediated decay in a gene for which loss of function is a known mechanism of disease; This variant is associated with the following publications: (PMID: 30303587, 34093702, 34599366)

Intergen Genetics and Rare Diseases Diagnosis Center
Classification: Pathogenic for Autosomal recessive nonsyndromic hearing loss 3. Last evaluated: 2025-11-14. Review status: criteria provided, single submitter. Criteria: ACMG Guidelines, 2015. Collection method: clinical testing. Allele origin: germline. Inheritance: Autosomal recessive inheritance. Affected: yes. Observed: 1 homozygote.
Comment: PVS1_PM2_PM3

Labcorp Genetics (formerly Invitae), Labcorp
Classification: Pathogenic. Last evaluated: 2023-10-05. Review status: criteria provided, single submitter. Criteria: Invitae Variant Classification Sherloc (09022015). Collection method: clinical testing. Allele origin: germline.
Comment: This sequence change creates a premature translational stop signal (p.Arg1169*) in the MYO15A gene. It is expected to result in an absent or disrupted protein product. Loss-of-function variants in MYO15A are known to be pathogenic (PMID: 17546645). This variant is present in population databases (rs781546107, gnomAD 0.009%). This premature translational stop signal has been observed in individual(s) with hearing loss (PMID: 30303587). ClinVar contains an entry for this variant (Variation ID: 498654). For these reasons, this variant has been classified as Pathogenic.

PreventionGenetics, part of Exact Sciences
Classification: Pathogenic for MYO15A-related condition. Last evaluated: 2022-10-22. Review status: criteria provided, single submitter. Criteria: ACMG Guidelines, 2015. Collection method: clinical testing. Allele origin: germline.
Comment: The MYO15A c.3505C>T variant is predicted to result in premature protein termination (p.Arg1169*). This variant was previously reported in a Pakistani family with non-syndromic hearing loss (Richard et al. 2019. PubMed ID: 30303587). This variant is reported in 0.0087% of alleles in individuals of Latino descent in gnomAD. Nonsense variants in MYO15A are expected to be pathogenic. This variant is interpreted as pathogenic.

Eurofins Ntd Llc (ga)
Classification: Pathogenic. Last evaluated: 2017-01-09. Review status: criteria provided, single submitter. Criteria: EGL Classification Definitions 2015. Collection method: clinical testing. Allele origin: germline. Observed: 1 variant allele, 1 heterozygote.

Juno Genomics, Hangzhou Juno Genomics, Inc
Classification: Pathogenic for Autosomal recessive nonsyndromic hearing loss 3. Review status: criteria provided, single submitter. Criteria: ACMG Guidelines, 2015. Collection method: clinical testing. Allele origin: germline.
Comment: Absent from controls (or at extremely low frequency if recessive) in Genome Aggregation Database.;Null variant in a gene where loss of function (LOF) is a known mechanism of disease.;For recessive disorders, detected in trans with a pathogenic variant.

National Institute on Deafness and Communication Disorders, National Institutes of Health
Classification: Pathogenic for Autosomal recessive nonsyndromic hearing loss 3. Last evaluated: 2018-07-05. Review status: no assertion criteria provided. Collection method: research. Allele origin: germline. Affected: yes. Observed: 1 homozygote. Segregation with disease observed. Not counted in ClinVar's aggregate classification.

University of Washington Center for Mendelian Genomics, University of Washington
Classification: Likely pathogenic for non-syndromic autosomal recessive hearing loss. Review status: no assertion criteria provided. Collection method: research. Allele origin: inherited. Affected: yes. Not counted in ClinVar's aggregate classification.

Literature cited by the submitters: PubMed 30303587 (cited by 3 submitters); PubMed 17546645 (cited by Labcorp Genetics (formerly Invitae), Labcorp).

NM_016239.4(MYO15A):c.3505C>T (p.Arg1169Ter)

Gene: MYO15A (myosin XVA; plus strand). Cytogenetic location: 17p11.2.
Variant type: single nucleotide variant.
Coding change: c.3505C>T on transcript NM_016239.4 (MANE Select); coding-DNA position 3505, C replaced by T.
Protein change: p.Arg1169Ter; replaces arginine 1169 with a stop codon.
Molecular consequence: nonsense.
Genome position (GRCh38, 1-based): chr17:18,122,305, C>T. VCF-style: chr17-18122305-C-T. GRCh37 (hg19) VCF-style: chr17-18025619-C-T.
Other names: short protein forms R1169*.
Identifiers: ClinVar variation 498654 (VCV000498654.17), dbSNP rs781546107, ClinGen allele CA8423477.